The following is an entry in ClinVar:

NM_177438.3(DICER1):c.623C>T (p.Ser208Phe)

Gene: DICER1 (dicer 1, ribonuclease III; minus strand). Cytogenetic location: 14q32.13.
Variant type: single nucleotide variant.
Coding change: c.623C>T on transcript NM_177438.3 (MANE Select); coding-DNA position 623, C replaced by T.
Protein change: p.Ser208Phe; replaces serine 208 with phenylalanine.
Molecular consequence: missense variant. On other transcripts: 5 prime UTR variant (1), non-coding transcript variant (6).
Genome position (GRCh38, 1-based): chr14:95,129,583, G>A on the plus strand (C>T on the coding strand, the complement: DICER1 is on the minus strand). VCF-style: chr14-95129583-G-A. GRCh37 (hg19) VCF-style: chr14-95595920-G-A.
Other names: c.623C>T, p.Ser208Phe (NM_001195573.1, NM_001271282.3, NM_001291628.2 and 14 more transcripts); c.341C>T, p.Ser114Phe (NM_001395686.1); c.218C>T, p.Ser73Phe (NM_001395687.1, NM_001395688.1, NM_001395689.1 and 3 more transcripts); c.56C>T, p.Ser19Phe (NM_001395691.1); c.-946C>T (NM_001395697.1); short protein forms S73F, S19F, S114F, S208F.
Identifiers: ClinVar variation 3655500 (VCV003655500.2).

ClinVar aggregate classification (germline): Uncertain significance (1 of 4 stars; one submission).

Conditions:
DICER1-related tumor predisposition. Also called: DICER1-related pleuropulmonary blastoma cancer predisposition syndrome; DICER1 syndrome. Identifiers: Orphanet 284343, MedGen C3839822, MONDO:0100216.

Submission:

Labcorp Genetics (formerly Invitae), Labcorp
Classification: Uncertain significance for DICER1-related tumor predisposition. Last evaluated: 2024-06-04. Review status: criteria provided, single submitter. Criteria: Invitae Variant Classification Sherloc (09022015). Collection method: clinical testing. Allele origin: germline.
Comment: This sequence change replaces serine, which is neutral and polar, with phenylalanine, which is neutral and non-polar, at codon 208 of the DICER1 protein (p.Ser208Phe). This variant is not present in population databases (gnomAD no frequency). This variant has not been reported in the literature in individuals affected with DICER1-related conditions. Advanced modeling of protein sequence and biophysical properties (such as structural, functional, and spatial information, amino acid conservation, physicochemical variation, residue mobility, and thermodynamic stability) performed at Invitae indicates that this missense variant is expected to disrupt DICER1 protein function with a positive predictive value of 80%. In summary, the available evidence is currently insufficient to determine the role of this variant in disease. Therefore, it has been classified as a Variant of Uncertain Significance.